The following is an entry in ClinVar:

NM_001042492.3(NF1):c.2329T>C (p.Trp777Arg)

Gene: NF1 (neurofibromin 1; plus strand). Cytogenetic location: 17q11.2.
Variant type: single nucleotide variant.
Coding change: c.2329T>C on transcript NM_001042492.3 (MANE Select); coding-DNA position 2329, T replaced by C.
Protein change: p.Trp777Arg; replaces tryptophan 777 with arginine.
Molecular consequence: missense variant.
Genome position (GRCh38, 1-based): chr17:31,227,526, T>C. VCF-style: chr17-31227526-T-C. GRCh37 (hg19) VCF-style: chr17-29554544-T-C.
Other names: c.2329T>C, p.Trp777Arg (NM_000267.4); short protein forms W777R.
Identifiers: ClinVar variation 652361 (VCV000652361.45), dbSNP rs876658853, ClinGen allele CA398983008.
Genomic context (GRCh38, chr17:31,227,526, plus strand): 5'-GATTGATGTTTAGCTCTAGACTAAGTTGCTTTCAAGTGATAATTGCCTTCATTTTAGGCT[T>C]GGGAAGATACACATGCAAAATGGGAACAAGCAACAAAGCTAATCCTTAACTATCCAAAAG-3'
Protein context (NP_001035957.1, residues 767-787): EHPTAGNTEA[Trp777Arg]EDTHAKWEQA

ClinVar aggregate classification (germline): Conflicting classifications of pathogenicity. Review status: criteria provided, conflicting classifications (1 of 4 stars). 10 submissions from 10 submitters: Pathogenic (5); Likely pathogenic (2); Uncertain significance (1). 2 of the submissions do not count toward it. Last evaluated 2024-12-19.

Conditions:
Hereditary cancer-predisposing syndrome. Also called: Neoplastic Syndromes, Hereditary; Hereditary Cancer Syndrome; Tumor predisposition; Hereditary neoplastic syndrome. Identifiers: Orphanet 140162, MedGen C0027672, MeSH D009386, MONDO:0015356.
Cardiovascular phenotype. Identifiers: MedGen CN230736.
Neurofibromatosis, type 1 (NF1). Also called: VON RECKLINGHAUSEN DISEASE; NEUROFIBROMATOSIS, TYPE I, SOMATIC; Peripheral type neurofibromatosis; Neurofibromatosis, type I. Identifiers: Orphanet 636, MedGen C0027831, MONDO:0018975, OMIM 162200. Disease mechanism: loss of function.

Submissions (10):

St. Jude Molecular Pathology, St. Jude Children's Research Hospital
Classification: Pathogenic for Neurofibromatosis, type 1. Last evaluated: 2024-12-19. Review status: criteria provided, single submitter. Criteria: St. Jude Assertion Criteria 2020. Collection method: clinical testing. Allele origin: germline.
Comment: The NF1 c.5870T>G (p.Leu1957Arg) missense change is absent in gnomAD v2.1.1. The in silico tool REVEL predicts a deleterious effect on protein function, but to our knowledge this prediction has not been confirmed by functional studies. This variant has been reported in multiple individuals with Neurofibromatosis Type 1 and was reported to be de novo in at least one individual (PMID: 16005615, 22034633, 23913538, 27322474, 35885913, 36612057, internal data). In summary, this variant meets criteria to be classified as pathogenic.

NHS Central & South Genomic Laboratory Hub
Classification: Likely pathogenic for Neurofibromatosis type 1. Last evaluated: 2024-07-01. Review status: criteria provided, single submitter. Criteria: ACMG Guidelines, 2015. Collection method: clinical testing. Allele origin: germline. Affected: yes.

Quest Diagnostics Nichols Institute San Juan Capistrano
Classification: Uncertain significance. Last evaluated: 2024-05-23. Review status: criteria provided, single submitter. Criteria: Quest Diagnostics criteria. Collection method: clinical testing. Allele origin: unknown.

Labcorp Genetics (formerly Invitae), Labcorp
Classification: Pathogenic for Neurofibromatosis, type 1. Last evaluated: 2024-05-01. Review status: criteria provided, single submitter. Criteria: Invitae Variant Classification Sherloc (09022015). Collection method: clinical testing. Allele origin: germline.
Comment: This sequence change replaces tryptophan, which is neutral and slightly polar, with arginine, which is basic and polar, at codon 777 of the NF1 protein (p.Trp777Arg). This variant is not present in population databases (gnomAD no frequency). This missense change has been observed in individuals with neurofibromatosis type 1 (PMID: 16005615, 22034633, 27322474). It has also been observed to segregate with disease in related individuals. This variant is also known as c.2540T>C. ClinVar contains an entry for this variant (Variation ID: 652361). Advanced modeling of protein sequence and biophysical properties (such as structural, functional, and spatial information, amino acid conservation, physicochemical variation, residue mobility, and thermodynamic stability) performed at Invitae indicates that this missense variant is expected to disrupt NF1 protein function with a positive predictive value of 95%. For these reasons, this variant has been classified as Pathogenic.

CeGaT Center for Human Genetics Tuebingen
Classification: Pathogenic. Last evaluated: 2023-02-01. Review status: criteria provided, single submitter. Criteria: CeGaT Center For Human Genetics Tuebingen Variant Classification Criteria Version 2. Collection method: clinical testing. Allele origin: germline. Affected: yes. Observed: 1 variant allele.
Comment: NF1: PS1, PM2, PM5, PS4:Moderate

Genome-Nilou Lab
Classification: Pathogenic for Neurofibromatosis, type 1. Last evaluated: 2022-03-15. Review status: criteria provided, single submitter. Criteria: ACMG Guidelines, 2015. Collection method: clinical testing. Allele origin: germline. Affected: no.

Ambry Genetics
Classification: Pathogenic for Cardiovascular phenotype; Hereditary cancer-predisposing syndrome. Last evaluated: 2020-09-01. Review status: criteria provided, single submitter. Criteria: Ambry Variant Classification Scheme 2023. Collection method: clinical testing. Allele origin: germline.
Comment: The p.W777R variant (also known as c.2329T>C), located in coding exon 20 of the NF1 gene, results from a T to C substitution at nucleotide position 2329. The tryptophan at codon 777 is replaced by arginine, an amino acid with dissimilar properties. This mutation has been identified in multiple individuals with a clinical diagnosis of neurofibromatosis type 1 (NF1) (Cai Y et al. J. Dermatol. Sci., 2005 Aug;39:125-7; Evans DG et al. EBioMedicine, 2016 May;7:212-20; Pasmant E et al. J. Natl. Cancer Inst., 2011 Nov;103:1713-22; Sabbagh A et al. Hum. Mutat., 2013 Nov;34:1510-8; Ambry internal data). This variant was not reported in population-based cohorts in the Genome Aggregation Database (gnomAD). This amino acid position is highly conserved in available vertebrate species. In addition, this alteration is predicted to be deleterious by in silico analysis. Based on the supporting evidence, this alteration is interpreted as a disease-causing mutation.

GeneDx
Classification: Likely pathogenic. Last evaluated: 2019-06-27. Review status: criteria provided, single submitter. Criteria: GeneDx Variant Classification Process June 2021. Collection method: clinical testing. Allele origin: germline. Affected: yes.
Comment: Not observed in large population cohorts (Lek et al., 2016); This variant is associated with the following publications: (PMID: 27322474, 16005615, 24803665)

Clinical Genetics DNA and cytogenetics Diagnostics Lab, Erasmus MC, Erasmus Medical Center
Classification: Pathogenic. Review status: no assertion criteria provided. Collection method: clinical testing. Allele origin: germline. Affected: yes. Study: VKGL Data-share Consensus. Not counted in ClinVar's aggregate classification.

Joint Genome Diagnostic Labs from Nijmegen and Maastricht, Radboudumc and MUMC+
Classification: Pathogenic. Review status: no assertion criteria provided. Collection method: clinical testing. Allele origin: germline. Affected: yes. Study: VKGL Data-share Consensus. Not counted in ClinVar's aggregate classification.

Literature cited by the submitters: PubMed 16005615 (cited by Quest Diagnostics Nichols Institute San Juan Capistrano and Labcorp Genetics (formerly Invitae), Labcorp); PubMed 27322474 (cited by Quest Diagnostics Nichols Institute San Juan Capistrano and Labcorp Genetics (formerly Invitae), Labcorp); PubMed 23913538 (cited by Quest Diagnostics Nichols Institute San Juan Capistrano); PubMed 35885913 (cited by Quest Diagnostics Nichols Institute San Juan Capistrano); PubMed 22034633 (cited by Quest Diagnostics Nichols Institute San Juan Capistrano and Labcorp Genetics (formerly Invitae), Labcorp).